The following is an entry in ClinVar:

NM_201384.3(PLEC):c.7803G>C (p.Leu2601=)

Gene: PLEC (plectin; minus strand). Cytogenetic location: 8q24.3.
Variant type: single nucleotide variant.
Coding change: c.7803G>C on transcript NM_201384.3 (MANE Select); coding-DNA position 7803, G replaced by C.
Protein change: p.Leu2601=; no amino-acid change (leucine 2601 retained).
Molecular consequence: synonymous variant.
Genome position (GRCh38, 1-based): chr8:143,922,018, C>G on the plus strand (G>C on the coding strand, the complement: PLEC is on the minus strand). VCF-style: chr8-143922018-C-G. GRCh37 (hg19) VCF-style: chr8-144996186-C-G.
Other names: c.4503G>C, p.Leu1501= (NM_001410941.1); c.7761G>C, p.Leu2587= (NM_201378.4); c.7737G>C, p.Leu2579= (NM_201379.3); c.8214G>C, p.Leu2738= (NM_201380.4); c.7707G>C, p.Leu2569= (NM_201381.3); c.7803G>C, p.Leu2601= (NM_201382.4); c.7815G>C, p.Leu2605= (NM_201383.3); c.7884G>C, p.Leu2628= (NM_000445.5).
Identifiers: ClinVar variation 3038196 (VCV003038196.3), dbSNP rs1822957016, ClinGen allele CA463533358.

ClinVar aggregate classification (germline): Likely benign. Review status: criteria provided, single submitter (1 of 4 stars). 2 submissions from 2 submitters: Likely benign (1). 1 of the submissions does not count toward it. Last evaluated 2026-09-01.

Conditions:
PLEC-related disorder. Also called: PLEC-related disorders; PLEC-related condition.

Submissions (2):

CeGaT Center for Human Genetics Tuebingen
Classification: Likely benign. Last evaluated: 2026-09-01. Review status: criteria provided, single submitter. Criteria: CeGaT Center For Human Genetics Tuebingen Variant Classification Criteria Version 2. Collection method: clinical testing. Allele origin: germline. Affected: yes. Observed: 1 variant allele.
Comment: PLEC: PM2:Supporting, BP4, BP7

PreventionGenetics, part of Exact Sciences
Classification: Likely benign for PLEC-related condition. Last evaluated: 2019-05-02. Review status: no assertion criteria provided. Collection method: clinical testing. Allele origin: germline. Not counted in ClinVar's aggregate classification.
Comment: This variant is classified as likely benign based on ACMG/AMP sequence variant interpretation guidelines (Richards et al. 2015 PMID: 25741868, with internal and published modifications).